The following is an entry in ClinVar:

ClinVar aggregate classification (germline): Uncertain significance. Review status: criteria provided, multiple submitters, no conflicts (2 of 4 stars). 3 submissions from 3 submitters: Uncertain significance (3). Last evaluated 2025-04-28.

Conditions:
Inborn genetic diseases. Identifiers: MedGen C0950123, MeSH D030342.
Developmental and epileptic encephalopathy, 36 (DEE36). Also called: Congenital disorder of glycosylation, type Is; Epileptic encephalopathy, early infantile, 36; ALG13-CDG. Identifiers: Orphanet 324422, MedGen C4317295, MONDO:0010472, OMIM 300884.

Allele frequency attached by ClinVar (database versions not stated): gnomAD exomes below 0.00001.
gnomAD v4.1: 2 of 1,207,114 alleles (0.00017%); highest among the groups gnomAD compares: Non-Finnish European, 0.00022%; no homozygotes.

Submissions (3):

GeneDx
Classification: Uncertain significance. Last evaluated: 2025-04-28. Review status: criteria provided, single submitter. Criteria: GeneDx Variant Classification Process June 2021. Collection method: clinical testing. Allele origin: germline. Affected: yes.
Comment: Not observed at significant frequency in large population cohorts (gnomAD); In silico analysis supports that this missense variant has a deleterious effect on protein structure/function; This variant is associated with the following publications: (PMID: 35899201, 25356970)

Fulgent Genetics
Classification: Uncertain significance for Developmental and epileptic encephalopathy, 36. Last evaluated: 2022-03-07. Review status: criteria provided, single submitter. Criteria: ACMG Guidelines, 2015. Collection method: clinical testing. Allele origin: unknown.

Ambry Genetics
Classification: Uncertain significance for Inborn genetic diseases. Last evaluated: 2013-12-24. Review status: criteria provided, single submitter. Criteria: Ambry Autosomal Dominant and X-Linked criteria (10/2015). Collection method: clinical testing. Allele origin: germline. Observed: 1 variant allele.
Comment: There is insufficient or conflicting evidence for classification of this alteration.

NM_001099922.3(ALG13):c.2106T>G (p.Ser702Arg)

Gene: ALG13 (ALG13 UDP-N-acetylglucosaminyltransferase subunit; plus strand). Cytogenetic location: Xq23.
Variant type: single nucleotide variant.
Coding change: c.2106T>G on transcript NM_001099922.3 (MANE Select); coding-DNA position 2106, T replaced by G.
Protein change: p.Ser702Arg; replaces serine 702 with arginine.
Molecular consequence: missense variant. On other transcripts: non-coding transcript variant (1).
Genome position (GRCh38, 1-based): chrX:111,727,629, T>G. VCF-style: chrX-111727629-T-G. GRCh37 (hg19) VCF-style: chrX-110970857-T-G.
Other names: c.1794T>G, p.Ser598Arg (NM_001257230.2, NM_001257234.2, NM_001257237.2); c.1872T>G, p.Ser624Arg (NM_001257231.2); c.2106T>G, p.Ser702Arg (NM_001324292.2); c.1620T>G, p.Ser540Arg (NM_001324293.1); short protein forms S702R, S540R, S598R, S624R.
Identifiers: ClinVar variation 208675 (VCV000208675.6), dbSNP rs797044876, ClinGen allele CA204655.